The following is an entry in ClinVar:

NM_002294.3(LAMP2):c.1192A>G (p.Ile398Val)

Gene: LAMP2 (lysosome associated membrane protein 2; minus strand). Cytogenetic location: Xq24.
Variant type: single nucleotide variant.
Coding change: c.1192A>G on transcript NM_002294.3 (MANE Select); coding-DNA position 1192, A replaced by G.
Protein change: p.Ile398Val; replaces isoleucine 398 with valine.
Molecular consequence: missense variant. On other transcripts: intron variant (1).
Genome position (GRCh38, 1-based): chrX:120,431,364, T>C on the plus strand (A>G on the coding strand, the complement: LAMP2 is on the minus strand). VCF-style: chrX-120431364-T-C. GRCh37 (hg19) VCF-style: chrX-119565219-T-C.
Other names: c.1094-2738A>G (NM_001122606.1); short protein forms I398V.
Identifiers: ClinVar variation 3643971 (VCV003643971.2).

ClinVar aggregate classification (germline): Uncertain significance (1 of 4 stars; one submission).

Conditions:
Danon disease. Also called: ANTOPOL DISEASE; PSEUDOGLYCOGENOSIS II; GSD IIb; LYSOSOMAL GLYCOGEN STORAGE DISEASE WITHOUT ACID MALTASE DEFICIENCY; Glycogen Storage Disease Type IIb. Identifiers: Orphanet 34587, MedGen C0878677, MONDO:0010281, OMIM 300257.

Submission:

Labcorp Genetics (formerly Invitae), Labcorp
Classification: Uncertain significance for Danon disease. Last evaluated: 2024-12-30. Review status: criteria provided, single submitter. Criteria: Invitae Variant Classification Sherloc (09022015). Collection method: clinical testing. Allele origin: germline.
Comment: This sequence change replaces isoleucine, which is neutral and non-polar, with valine, which is neutral and non-polar, at codon 398 of the LAMP2 protein (p.Ile398Val). This variant is not present in population databases (gnomAD no frequency). This variant has not been reported in the literature in individuals affected with LAMP2-related conditions. Invitae Evidence Modeling of protein sequence and biophysical properties (such as structural, functional, and spatial information, amino acid conservation, physicochemical variation, residue mobility, and thermodynamic stability) indicates that this missense variant is not expected to disrupt LAMP2 protein function with a negative predictive value of 80%. In summary, the available evidence is currently insufficient to determine the role of this variant in disease. Therefore, it has been classified as a Variant of Uncertain Significance.